The following is an entry in ClinVar:

NM_000352.6(ABCC8):c.742C>T (p.Arg248Ter)

Gene: ABCC8 (ATP binding cassette subfamily C member 8; minus strand). Cytogenetic location: 11p15.1.
Variant type: single nucleotide variant.
Coding change: c.742C>T on transcript NM_000352.6 (MANE Select); coding-DNA position 742, C replaced by T.
Protein change: p.Arg248Ter; replaces arginine 248 with a stop codon.
Molecular consequence: nonsense. On other transcripts: non-coding transcript variant (1).
Genome position (GRCh38, 1-based): chr11:17,461,663, G>A on the plus strand (C>T on the coding strand, the complement: ABCC8 is on the minus strand). VCF-style: chr11-17461663-G-A. GRCh37 (hg19) VCF-style: chr11-17483210-G-A.
Other names: NM_000352.6(ABCC8):c.742C>T; p.Arg248Ter; c.742C>T, p.Arg248Ter (NM_001287174.3, NM_001351295.2, NM_001351296.2 and 1 more transcripts); short protein forms R248*.
Identifiers: ClinVar variation 585351 (VCV000585351.19), dbSNP rs72559730, ClinGen allele CA218452045.
Genomic context (GRCh38, chr11:17,461,663, plus strand): 5'-CGCAGAGCCGTTGGTAGTTGGTGAGGGCCCTCATGGCGATGGGCAGCTTCCCGATGGCTC[G>A]CAAGTCGATGGGCTTCTTGTGGGCAGTCTTGATGAAGGCGTTCATCCACCAGTAGGTGCC-3'

ClinVar aggregate classification (germline): Pathogenic. Review status: criteria provided, multiple submitters, no conflicts (2 of 4 stars). 10 submissions from 10 submitters: Pathogenic (10). Last evaluated 2026-05-29.

Conditions:
Hereditary hyperinsulinism.
ABCC8-related disorder.
Type 2 diabetes mellitus. Also called: Type II diabetes mellitus. Identifiers: MedGen C0011860, MeSH D003924, MONDO:0005148, OMIM 125853, HP:0005978.
Hyperinsulinemic hypoglycemia, familial, 1 (HHF1). Also called: Persistent Hyperinsulinemia Hypoglycemia of Infancy; Persistent hyperinsulinemic hypoglycemia of infancy; HYPERINSULINISM, FAMILIAL, WITH PANCREATIC NESIDIOBLASTOSIS; HYPOGLYCEMIA, HYPERINSULINEMIC, OF INFANCY; NESIDIOBLASTOSIS OF PANCREAS. Identifiers: Orphanet 276575, Orphanet 276598, MedGen C2931832, MONDO:0009734, OMIM 256450.
Leucine-induced hypoglycemia (LIH). Also called: LEUCINE-SENSITIVE HYPOGLYCEMIA OF INFANCY. Identifiers: MedGen C0271714, MONDO:0009415, OMIM 240800.
Diabetes mellitus, permanent neonatal 3. Also called: ABCC8-Related Permanent Neonatal Diabetes Mellitus. Identifiers: MedGen C5394303, MONDO:0030088, OMIM 618857.
Diabetes mellitus, transient neonatal, 2 (TNDM2). Identifiers: Orphanet 99886, MedGen C1835887, MONDO:0012480, OMIM 610374. Disease mechanism: loss of function.
Inborn genetic diseases. Identifiers: MedGen C0950123, MeSH D030342.

Allele frequency attached by ClinVar (database versions not stated): gnomAD 0.00001; TOPMed 0.00001; ESP Exome Variant Server 0.00008.
gnomAD v4.1: 19 of 1,614,106 alleles (0.0012%); highest among the groups gnomAD compares: South Asian, 0.0033%; no homozygotes.

Submissions (10):

Ambry Genetics
Classification: Pathogenic for Inborn genetic diseases. Last evaluated: 2026-05-29. Review status: criteria provided, single submitter. Criteria: Ambry Variant Classification Scheme 2023. Collection method: clinical testing. Allele origin: germline.
Comment: The c.742C>T (p.R248*) alteration, located in exon 5 (coding exon 5) of the ABCC8 gene, consists of a C to T substitution at nucleotide position 742. This changes the amino acid from an arginine (R) to a stop codon at amino acid position 248. This variant is expected to result in loss of function by premature protein truncation or nonsense-mediated mRNA decay. for autosomal dominant ABCC8-related focal hyperinsulinemic hypoglycemia susceptibility and autosomal recessive ABCC8-related diffuse hyperinsulinemic hypoglycemia; however, its clinical significance for autosomal dominant ABCC8-related diffuse hyperinsulinemic hypoglycemia and ABCC8-related diabetes mellitus is uncertain. Based on data from gnomAD, the T allele has an overall frequency of 0.002% (4/251480) total alleles studied. The highest observed frequency was 0.003% (1/30616) of South Asian alleles. Based on the available evidence, this alteration is classified as pathogenic.

Labcorp Genetics (formerly Invitae), Labcorp
Classification: Pathogenic. Last evaluated: 2025-12-17. Review status: criteria provided, single submitter. Criteria: Invitae Variant Classification Sherloc (09022015). Collection method: clinical testing. Allele origin: germline.
Comment: This sequence change creates a premature translational stop signal (p.Arg248*) in the ABCC8 gene. It is expected to result in an absent or disrupted protein product. Loss-of-function variants in ABCC8 are known to be pathogenic (PMID: 20685672, 23345197). This variant is present in population databases (rs72559730, gnomAD 0.003%). This premature translational stop signal has been observed in individual(s) with ABCC8-related conditions (PMID: 25972930, 27188453, 30191644, 30462810). ClinVar contains an entry for this variant (Variation ID: 585351). For these reasons, this variant has been classified as Pathogenic.

Natera, Inc.
Classification: Pathogenic for Hereditary hyperinsulinism. Last evaluated: 2025-11-10. Review status: criteria provided, single submitter. Criteria: Natera Variant Classification Schema (03/2026). Collection method: clinical testing. Allele origin: germline.
Comment: The c.742C>T variant in ABCC8 is a nonsense variant predicted to introduce a stop codon at amino acid 248. This variant is expected to result in nonsense mediated decay, truncation, or a dysfunctional protein product. This variant is rare in the general population with a frequency below the threshold expected for the associated phenotype(s). This variant has been observed in one or more individuals affected with the associated recessive disease, as either homozygous or compound heterozygous with a second variant (PMID: 16429405). Additionally, this variant has been observed to segregate in affected family members (PMID: 16429405). Given the available evidence, this variant is classified as Pathogenic.

Genesolutions, Medical Genetics Institutes, Ho Chi Minh City, Vietnam
Classification: Pathogenic for Hyperinsulinemic hypoglycemia, familial, 1. Last evaluated: 2025-09-24. Review status: criteria provided, single submitter. Criteria: ACMG Guidelines, 2015. Collection method: clinical testing. Allele origin: germline. Affected: yes.

Fulgent Genetics
Classification: Pathogenic for Type 2 diabetes mellitus; Leucine-induced hypoglycemia; Hyperinsulinemic hypoglycemia, familial, 1; Diabetes mellitus, transient neonatal, 2; Diabetes mellitus, permanent neonatal 3. Last evaluated: 2024-04-26. Review status: criteria provided, single submitter. Criteria: ACMG Guidelines, 2015. Collection method: clinical testing. Allele origin: germline.

Baylor Genetics
Classification: Pathogenic for Type 2 diabetes mellitus. Last evaluated: 2023-09-28. Review status: criteria provided, single submitter. Criteria: ACMG Guidelines, 2015. Collection method: clinical testing. Allele origin: unknown.

Broad Center for Mendelian Genomics, Broad Institute of MIT and Harvard
Classification: Pathogenic for Hyperinsulinemic hypoglycemia, familial, 1. Last evaluated: 2023-08-16. Review status: criteria provided, single submitter. Criteria: ACMG Guidelines, 2015. Collection method: curation. Allele origin: germline. Inheritance: Autosomal recessive inheritance.
Comment: The p.Arg248Ter variant in ABCC8 has been reported in 10 individuals with hyperinsulinemic hypoglycemia (PMID: 10204114, 10828824, 16429405, 19475716, 23345197, 18767144, 20685672, 22855730, 27188453, 25972930, 30462810), and has been identified in 0.003% (1/30616) of South Asian chromosomes by the Genome Aggregation Database (gnomAD; dbSNP ID: rs72559730). Although this variant has been seen in the general population in a heterozygous state, its frequency is low enough to be consistent with a recessive carrier frequency. This variant has also been reported in ClinVar (Variation ID: 585351) and has been interpreted as pathogenic by Athena Diagnostics Inc, Women's Health and Genetics/Laboratory Corporation of America (LabCorp), Invitae, and Natera (Inc.) and as likely pathogenic by Fulgent Genetics. Of the 10 affected individuals, 1 was a compound heterozygote that carried a reported pathogenic/likely pathogenic variant in trans, and 2 were homozygotes, which increases the likelihood that the p.Arg248Ter variant is pathogenic (Variation ID: 370210; PMID: 16429405, 20685672,22855730). This nonsense variant leads to a premature termination codon at position 248, which is predicted to lead to a truncated or absent protein. Loss of function of the ABCC8 gene is an established disease mechanism in autosomal recessive hyperinsulinemic hypoglycemia. In summary, this variant meets criteria to be classified as pathogenic for autosomal recessive hyperinsulinemic hypoglycemia. ACMG/AMP Criteria applied: PVS1, PM3_strong, PM2_supporting (Richards 2015).

Blueprint Genetics
Classification: Pathogenic for ABCC8-related disorders. Last evaluated: 2020-03-18. Review status: criteria provided, single submitter. Criteria: ACMG Guidelines, 2015. Collection method: clinical testing. Allele origin: germline. Affected: yes. Observed: 2 variant alleles.

Women's Health and Genetics/Laboratory Corporation of America, LabCorp
Classification: Pathogenic for Hyperinsulinemic hypoglycemia, familial, 1. Last evaluated: 2019-01-31. Review status: criteria provided, single submitter. Criteria: LabCorp Variant Classification Summary - May 2015. Collection method: clinical testing. Allele origin: germline.
Comment: Variant summary: ABCC8 c.742C>T (p.Arg248X) results in a premature termination codon, predicted to cause a truncation of the encoded protein or absence of the protein due to nonsense mediated decay, which are commonly known mechanisms for disease. The variant allele was found at a frequency of 1.2e-05 in 246258 control chromosomes (gnomAD). c.742C>T has been reported in the literature in multiple individuals affected with Congenital Hyperinsulinism (Del Roio Liberatore_2015, Calabria_2012, Sandal_2009, FernndezMarmiesse_2006, Aguilar-Bryan_1999). These data indicate that the variant is very likely to be associated with disease. To our knowledge, no experimental evidence demonstrating an impact on protein function has been reported. A ClinVar submission from a clinical diagnostic laboratory (evaluation after 2014) cites the variant as pathogenic. Based on the evidence outlined above, the variant was classified as pathogenic.

Athena Diagnostics
Classification: Pathogenic. Last evaluated: 2017-08-29. Review status: criteria provided, single submitter. Criteria: Athena Diagnostics Criteria. Collection method: clinical testing. Allele origin: germline.

Literature cited by the submitters: PubMed 20685672 (cited by Labcorp Genetics (formerly Invitae), Labcorp); PubMed 23345197 (cited by Labcorp Genetics (formerly Invitae), Labcorp); PubMed 25972930 (cited by 3 submitters); PubMed 27188453 (cited by Labcorp Genetics (formerly Invitae), Labcorp); PubMed 30191644 (cited by Labcorp Genetics (formerly Invitae), Labcorp); PubMed 30462810 (cited by Labcorp Genetics (formerly Invitae), Labcorp); PubMed 16429405 (cited by 3 submitters); PubMed 10204114 (cited by Women's Health and Genetics/Laboratory Corporation of America, LabCorp and Athena Diagnostics); PubMed 19475716 (cited by Women's Health and Genetics/Laboratory Corporation of America, LabCorp and Athena Diagnostics); PubMed 22855730 (cited by Women's Health and Genetics/Laboratory Corporation of America, LabCorp); PubMed 25525159 (cited by Athena Diagnostics).